The following is an entry in ClinVar:

NM_000535.7(PMS2):c.336C>A (p.Ser112Arg)

Gene: PMS2 (PMS1 homolog 2, mismatch repair system component; minus strand). Cytogenetic location: 7p22.1.
Variant type: single nucleotide variant.
Coding change: c.336C>A on transcript NM_000535.7 (MANE Select); coding-DNA position 336, C replaced by A.
Protein change: p.Ser112Arg; replaces serine 112 with arginine.
Molecular consequence: missense variant. On other transcripts: 5 prime UTR variant (9), non-coding transcript variant (1), intron variant (2).
Genome position (GRCh38, 1-based): chr7:6,003,707, G>T on the plus strand (C>A on the coding strand, the complement: PMS2 is on the minus strand). VCF-style: chr7-6003707-G-T. GRCh37 (hg19) VCF-style: chr7-6043338-G-T.
Other names: c.-70C>A (NM_001322010.2, NM_001322013.2, NM_001018040.1 and 14 more transcripts); c.-549C>A (NM_001322011.2, NM_001322012.2); c.336C>A, p.Ser112Arg (NM_001322006.2, NM_001322014.2, NM_001406869.1 and 8 more transcripts); c.-149C>A (NM_001322015.2, NM_001406875.1, NM_001406877.1 and 3 more transcripts); c.522C>A, p.Ser174Arg (NM_001406866.1); c.360C>A, p.Ser120Arg (NM_001406868.1); c.-60C>A (NM_001406890.1); c.35+265C>A (NM_001322008.2, NM_001322007.2); short protein forms S120R, S112R, S174R.
Identifiers: ClinVar variation 1730698 (VCV001730698.2), dbSNP rs1583408255, ClinGen allele CA366744558.

ClinVar aggregate classification (germline): Uncertain significance (1 of 4 stars; one submission).

Conditions:
Hereditary cancer-predisposing syndrome. Also called: Neoplastic Syndromes, Hereditary; Tumor predisposition; Hereditary Cancer Syndrome; Hereditary neoplastic syndrome. Identifiers: Orphanet 140162, MedGen C0027672, MeSH D009386, MONDO:0015356.

Submission:

Ambry Genetics
Classification: Uncertain significance for Hereditary cancer-predisposing syndrome. Last evaluated: 2018-03-09. Review status: criteria provided, single submitter. Criteria: Ambry Variant Classification Scheme 2023. Collection method: clinical testing. Allele origin: germline.
Comment: The p.S112R variant (also known as c.336C>A), located in coding exon 4 of the PMS2 gene, results from a C to A substitution at nucleotide position 336. The serine at codon 112 is replaced by arginine, an amino acid with dissimilar properties. This amino acid position is highly conserved in available vertebrate species. In addition, this alteration is predicted to be deleterious by in silico analysis. Since supporting evidence is limited at this time, the clinical significance of this alteration remains unclear.